The following is an entry in ClinVar:

ClinVar aggregate classification (germline): Uncertain significance (1 of 4 stars; one submission).

Conditions:
Bethlem myopathy 1A. Also called: Bethlem Muscular Dystrophy; MYOPATHY, BENIGN CONGENITAL, WITH CONTRACTURES; Bethlem myopathy 1. Identifiers: Orphanet 610, MedGen CN029274, MONDO:0024530, OMIM 158810.

gnomAD v4.1: 1 of 1,551,886 alleles (0.000064%); highest among the groups gnomAD compares: Non-Finnish European, 0.000087%; no homozygotes.

Submission:

Labcorp Genetics (formerly Invitae), Labcorp
Classification: Uncertain significance for Bethlem myopathy 1A. Last evaluated: 2022-02-03. Review status: criteria provided, single submitter. Criteria: Invitae Variant Classification Sherloc (09022015). Collection method: clinical testing. Allele origin: germline.
Comment: This sequence change replaces glycine, which is neutral and non-polar, with alanine, which is neutral and non-polar, at codon 183 of the COL6A1 protein (p.Gly183Ala). In summary, the available evidence is currently insufficient to determine the role of this variant in disease. Therefore, it has been classified as a Variant of Uncertain Significance. Advanced modeling of protein sequence and biophysical properties (such as structural, functional, and spatial information, amino acid conservation, physicochemical variation, residue mobility, and thermodynamic stability) performed at Invitae indicates that this missense variant is expected to disrupt COL6A1 protein function. ClinVar contains an entry for this variant (Variation ID: 1054116). This variant has not been reported in the literature in individuals affected with COL6A1-related conditions. This variant is not present in population databases (gnomAD no frequency).

NM_001848.3(COL6A1):c.548G>C (p.Gly183Ala)

Gene: COL6A1 (collagen type VI alpha 1 chain; plus strand). Cytogenetic location: 21q22.3.
Variant type: single nucleotide variant.
Coding change: c.548G>C on transcript NM_001848.3 (MANE Select); coding-DNA position 548, G replaced by C.
Protein change: p.Gly183Ala; replaces glycine 183 with alanine.
Molecular consequence: missense variant.
Genome position (GRCh38, 1-based): chr21:45,986,645, G>C. VCF-style: chr21-45986645-G-C. GRCh37 (hg19) VCF-style: chr21-47406559-G-C.
Other names: short protein forms G183A.
Identifiers: ClinVar variation 1054116 (VCV001054116.12), dbSNP rs766184155, ClinGen allele CA410518160.